The following is an entry in ClinVar:

NM_032638.5(GATA2):c.1070C>T (p.Thr357Ile)

Gene: GATA2 (GATA binding protein 2; minus strand). Cytogenetic location: 3q21.3.
Variant type: single nucleotide variant.
Coding change: c.1070C>T on transcript NM_032638.5 (MANE Select); coding-DNA position 1070, C replaced by T.
Protein change: p.Thr357Ile; replaces threonine 357 with isoleucine.
Molecular consequence: missense variant.
Genome position (GRCh38, 1-based): chr3:128,481,892, G>A on the plus strand (C>T on the coding strand, the complement: GATA2 is on the minus strand). VCF-style: chr3-128481892-G-A. GRCh37 (hg19) VCF-style: chr3-128200735-G-A.
Other names: c.1070C>T, p.Thr357Ile (NM_001145661.2); c.1028C>T, p.Thr343Ile (NM_001145662.1); short protein forms T343I, T357I.
Identifiers: ClinVar variation 1184245 (VCV001184245.6), dbSNP rs2107668699, ClinGen allele CA354413600.

ClinVar aggregate classification (germline): Conflicting classifications of pathogenicity. Review status: criteria provided, conflicting classifications (1 of 4 stars). 2 submissions from 2 submitters: Likely pathogenic (1); Uncertain significance (1). Last evaluated 2024-04-16.

Conditions:
GATA2 deficiency with susceptibility to MDS/AML. Identifiers: MedGen CN300066, MONDO:0042982.
Deafness-lymphedema-leukemia syndrome. Also called: Emberger syndrome; Lymphedema, primary, with myelodysplasia. Identifiers: Orphanet 3226, MedGen C3279664, MONDO:0013540, OMIM 614038.
Monocytopenia with susceptibility to infections. Also called: GATA2 DEFICIENCY; IMMUNODEFICIENCY 21; MONOCYTOPENIA AND MYCOBACTERIAL INFECTION SYNDROME; MONOCYTOPENIA WITH SUSCEPTIBILITY TO MYCOBACTERIAL, FUNGAL, AND PAPILLOMAVIRUS INFECTIONS AND MYELODYSPLASIA; COMBINED IMMUNODEFICIENCY WITH SUSCEPTIBILITY TO MYCOBACTERIAL, VIRAL, AND FUNGAL INFECTIONS; Dendritic cell, monocyte, B lymphocyte, and natural killer lymphocyte deficiency. Identifiers: Orphanet 228423, MedGen C3280030, MONDO:0013607, OMIM 614172.

Submissions (2):

Labcorp Genetics (formerly Invitae), Labcorp
Classification: Uncertain significance for Monocytopenia with susceptibility to infections; Deafness-lymphedema-leukemia syndrome. Last evaluated: 2024-04-16. Review status: criteria provided, single submitter. Criteria: Invitae Variant Classification Sherloc (09022015). Collection method: clinical testing. Allele origin: germline.
Comment: This sequence change replaces threonine, which is neutral and polar, with isoleucine, which is neutral and non-polar, at codon 357 of the GATA2 protein (p.Thr357Ile). This variant is not present in population databases (gnomAD no frequency). This missense change has been observed in individual(s) with myelodysplastic syndrome (PMID: 29724903, 34387894). ClinVar contains an entry for this variant (Variation ID: 1184245). Advanced modeling of protein sequence and biophysical properties (such as structural, functional, and spatial information, amino acid conservation, physicochemical variation, residue mobility, and thermodynamic stability) performed at Invitae indicates that this missense variant is expected to disrupt GATA2 protein function with a positive predictive value of 95%. In summary, the available evidence is currently insufficient to determine the role of this variant in disease. Therefore, it has been classified as a Variant of Uncertain Significance.

Molecular Pathology Research Laboratory, SA Pathology
Classification: Likely pathogenic for GATA2 deficiency with susceptibility to MDS/AML; Deafness-lymphedema-leukemia syndrome. Last evaluated: 2021-07-06. Review status: criteria provided, single submitter. Criteria: ACMG Guidelines, 2015. Collection method: curation. Allele origin: unknown. Inheritance: Autosomal dominant inheritance. Affected: yes. Observed: 1 variant allele.
Comment: PS4_Supporting, PM1, PM2, PM5, PP3

Literature cited by the submitters: PubMed 29724903 (cited by Labcorp Genetics (formerly Invitae), Labcorp and Molecular Pathology Research Laboratory, SA Pathology); PubMed 34387894 (cited by Labcorp Genetics (formerly Invitae), Labcorp).